The following is an entry in ClinVar:

ClinVar aggregate classification (germline): Conflicting classifications of pathogenicity. Review status: criteria provided, conflicting classifications (1 of 4 stars). 2 submissions from 2 submitters: Uncertain significance (1); Likely benign (1). Last evaluated 2024-01-01.

Conditions:
Developmental and epileptic encephalopathy, 60. Also called: EPILEPTIC ENCEPHALOPATHY, EARLY INFANTILE, 60. Identifiers: MedGen C4693663, MONDO:0033369, OMIM 617929.

Submissions (2):

CeGaT Center for Human Genetics Tuebingen
Classification: Likely benign. Last evaluated: 2024-01-01. Review status: criteria provided, single submitter. Criteria: CeGaT Center For Human Genetics Tuebingen Variant Classification Criteria Version 2. Collection method: clinical testing. Allele origin: germline. Affected: yes. Observed: 1 variant allele.
Comment: CNPY3: BP3

Baylor Genetics
Classification: Uncertain significance for Developmental and epileptic encephalopathy, 60. Last evaluated: 2023-08-30. Review status: criteria provided, single submitter. Criteria: ACMG Guidelines, 2015. Collection method: clinical testing. Allele origin: unknown.

NM_006586.5(CNPY3):c.50TGC[5] (p.Leu22_Leu25del)

Genes: CNPY3-GNMT (CNPY3-GNMT readthrough; plus strand), CNPY3 (canopy FGF signaling regulator 3; plus strand). Cytogenetic location: 6p21.1.
Variant type: Microsatellite.
Coding change: c.50TGC[5] on transcript NM_006586.5 (MANE Select); five copies in a row of the 3-base unit TGC starting at c.50; the reference has nine copies in a row; four copies, 12 bases deleted; also written c.65_76del.
Protein change: p.Leu22_Leu25del.
Molecular consequence: inframe deletion. On other transcripts: 5 prime UTR variant (2), non-coding transcript variant (9).
Genome position (GRCh38, 1-based): chr6:42,929,635-42,929,646, TGCTGCTGCTGC deleted; deleting any 12 consecutive bases within chr6:42,929,620-42,929,646 gives the same sequence; the position shown is the placement nearest the transcript's 3' end. VCF-style (leftmost placement, unchanged base first): chr6-42929619-TTGCTGCTGCTGC-T. GRCh37 (hg19) VCF-style: chr6-42897357-TTGCTGCTGCTGC-T.
Other names: c.50TGC[5], p.Leu22_Leu25del (NM_001318842.1, NM_001318847.2, NM_001318848.2 and 2 more transcripts); c.-94TGC[5] (NM_001318845.1, NM_001318856.2); c.65_76del (NM_006586.5).
Identifiers: ClinVar variation 2582320 (VCV002582320.23), dbSNP rs570105218, ClinGen allele CA3810355.
Genomic context (GRCh38, chr6:42,929,619, plus strand): 5'-CCCGGCCGGGCCATGGATTCAATGCCTGAGCCCGCGTCCCGCTGTCTTCTGCTTCTTCCC[TTGCTGCTGCTGC>T]TGCTGCTGCTGCTGCCGGCCCCGGAGCTGGGCCCGAGCCAGGCCGGAGCTGAGGAGAACG-3'